The following is an entry in ClinVar:

ClinVar aggregate classification (germline): Uncertain significance (1 of 4 stars; one submission).

Conditions:
Idiopathic generalized epilepsy. Also called: Generalised epilepsy; EIG. Identifiers: MedGen C0270850, MONDO:0005579, OMIM 600669.

gnomAD v4.1: 2 of 1,612,964 alleles (0.00012%); highest among the groups gnomAD compares: South Asian, 0.0011%; no homozygotes.

Submission:

Labcorp Genetics (formerly Invitae), Labcorp
Classification: Uncertain significance for Idiopathic generalized epilepsy. Last evaluated: 2022-04-20. Review status: criteria provided, single submitter. Criteria: Invitae Variant Classification Sherloc (09022015). Collection method: clinical testing. Allele origin: germline.
Comment: In summary, the available evidence is currently insufficient to determine the role of this variant in disease. Therefore, it has been classified as a Variant of Uncertain Significance. Algorithms developed to predict the effect of sequence changes on RNA splicing suggest that this variant may disrupt the consensus splice site. This variant has not been reported in the literature in individuals affected with RBFOX1-related conditions. This variant is not present in population databases (gnomAD no frequency). This sequence change falls in intron 7 of the RBFOX1 gene. It does not directly change the encoded amino acid sequence of the RBFOX1 protein.

NM_018723.4(RBFOX1):c.677-9C>G

Gene: RBFOX1 (RNA binding fox-1 homolog 1; plus strand). Cytogenetic location: 16p13.3.
Variant type: single nucleotide variant.
Coding change: c.677-9C>G on transcript NM_018723.4 (MANE Select); 9 bases into the intron before coding-DNA position 677, C replaced by G.
Molecular consequence: intron variant.
Genome position (GRCh38, 1-based): chr16:7,630,594, C>G. VCF-style: chr16-7630594-C-G. GRCh37 (hg19) VCF-style: chr16-7680596-C-G.
Other names: c.677-9C>G (NM_001364800.2, NM_001142334.2); c.677-23221C>G (NM_001142333.2); c.806-9C>G (NM_001308117.1); c.737-9C>G (NM_145893.3, NM_145891.3, NM_145892.3).
Identifiers: ClinVar variation 2128561 (VCV002128561.4), dbSNP rs771044128, ClinGen allele CA2205373749.